The following is an entry in ClinVar:

NM_001017995.3(SH3PXD2B):c.1089G>A (p.Pro363=)

Gene: SH3PXD2B (SH3 and PX domains 2B; minus strand). Cytogenetic location: 5q35.1.
Variant type: single nucleotide variant.
Coding change: c.1089G>A on transcript NM_001017995.3 (MANE Select); coding-DNA position 1089, G replaced by A.
Protein change: p.Pro363=; no amino-acid change (proline 363 retained).
Molecular consequence: synonymous variant.
Genome position (GRCh38, 1-based): chr5:172,346,235, C>T on the plus strand (G>A on the coding strand, the complement: SH3PXD2B is on the minus strand). VCF-style: chr5-172346235-C-T. GRCh37 (hg19) VCF-style: chr5-171773239-C-T.
Other names: c.1089G>A, p.Pro363= (NM_001308175.2).
Identifiers: ClinVar variation 783624 (VCV000783624.13), dbSNP rs146385561, ClinGen allele CA3561297.
Genomic context (GRCh38, chr5:172,346,235, plus strand): 5'-GATGGTTGTCTGGAATTCGGCGATGGTGTAATACTCTTCCTCCACTTGGGGCGGGATGGG[C>T]GGCTTCGGCAGGTTGAGGCCTCGAGGCTGGTACGATCACACACAGGGTTATCTCCAAGGC-3'
Protein context (NP_001017995.1, residues 353-373): TIPRGLNLPK[Pro363=]PIPPQVEEEY

ClinVar aggregate classification (germline): Benign/Likely benign. Review status: criteria provided, multiple submitters, no conflicts (2 of 4 stars). 3 submissions from 3 submitters: Benign (1); Likely benign (2). Last evaluated 2026-08-01.

Allele frequency attached by ClinVar (database versions not stated): ExAC 0.00060; gnomAD 0.00177 and 0.00185; TOPMed 0.00199; ESP Exome Variant Server 0.00215; 1000 Genomes Project 0.00220; 1000 Genomes Project 30x 0.00250.
gnomAD v4.1: 499 of 1,613,954 alleles (0.031%); highest among the groups gnomAD compares: African/African-American, 0.57%; no homozygotes.

Submissions (3):

CeGaT Center for Human Genetics Tuebingen
Classification: Likely benign. Last evaluated: 2026-08-01. Review status: criteria provided, single submitter. Criteria: CeGaT Center For Human Genetics Tuebingen Variant Classification Criteria Version 2. Collection method: clinical testing. Allele origin: germline. Affected: yes. Observed: 1 variant allele.
Comment: SH3PXD2B: BP4, BP7

Labcorp Genetics (formerly Invitae), Labcorp
Classification: Benign. Last evaluated: 2026-01-08. Review status: criteria provided, single submitter. Criteria: Invitae Variant Classification Sherloc (09022015). Collection method: clinical testing. Allele origin: germline.

Blueprint Genetics
Classification: Likely benign. Last evaluated: 2024-11-25. Review status: criteria provided, single submitter. Criteria: ACMG Guidelines, 2015. Collection method: clinical testing. Allele origin: germline.